The following is an entry in ClinVar:

ClinVar aggregate classification (germline): Pathogenic. Review status: criteria provided, multiple submitters, no conflicts (2 of 4 stars). 3 submissions from 3 submitters: Pathogenic (3). Last evaluated 2024-04-10.

Conditions:
Familial cancer of breast. Also called: BREAST CANCER, FAMILIAL; Hereditary breast cancer; hereditary breast carcinoma. Identifiers: Orphanet 227535, MedGen C0346153, MONDO:0016419, OMIM 114480. Disease mechanism: loss of function.
Hereditary cancer-predisposing syndrome. Also called: Neoplastic Syndromes, Hereditary; Tumor predisposition; Hereditary Cancer Syndrome; Hereditary neoplastic syndrome. Identifiers: Orphanet 140162, MedGen C0027672, MeSH D009386, MONDO:0015356.

Submissions (3):

Labcorp Genetics (formerly Invitae), Labcorp
Classification: Pathogenic for Familial cancer of breast. Last evaluated: 2024-04-10. Review status: criteria provided, single submitter. Criteria: Invitae Variant Classification Sherloc (09022015). Collection method: clinical testing. Allele origin: germline.
Comment: This sequence change creates a premature translational stop signal (p.Ser19*) in the CHEK2 gene. It is expected to result in an absent or disrupted protein product. Loss-of-function variants in CHEK2 are known to be pathogenic (PMID: 21876083, 24713400). This variant is not present in population databases (gnomAD no frequency). This variant has not been reported in the literature in individuals affected with CHEK2-related conditions. ClinVar contains an entry for this variant (Variation ID: 481737). For these reasons, this variant has been classified as Pathogenic.

Baylor Genetics
Classification: Pathogenic for Familial cancer of breast. Last evaluated: 2023-08-13. Review status: criteria provided, single submitter. Criteria: ACMG Guidelines, 2015. Collection method: clinical testing. Allele origin: unknown.

Ambry Genetics
Classification: Pathogenic for Hereditary cancer-predisposing syndrome. Last evaluated: 2017-06-28. Review status: criteria provided, single submitter. Criteria: Ambry Variant Classification Scheme 2023. Collection method: clinical testing. Allele origin: germline.
Comment: The p.S19* pathogenic mutation (also known as c.56C>G), located in coding exon 1 of the CHEK2 gene, results from a C to G substitution at nucleotide position 56. This changes the amino acid from a serine to a stop codon within coding exon 1. This alteration is expected to result in loss of function by premature protein truncation or nonsense-mediated mRNA decay. As such, this alteration is interpreted as a disease-causing mutation.

Literature cited by the submitters: PubMed 21876083 (cited by Labcorp Genetics (formerly Invitae), Labcorp); PubMed 24713400 (cited by Labcorp Genetics (formerly Invitae), Labcorp).

NM_007194.4(CHEK2):c.56C>G (p.Ser19Ter)

Gene: CHEK2 (checkpoint kinase 2; minus strand). Cytogenetic location: 22q12.1.
Variant type: single nucleotide variant.
Coding change: c.56C>G on transcript NM_007194.4 (MANE Select); coding-DNA position 56, C replaced by G.
Protein change: p.Ser19Ter; replaces serine 19 with a stop codon.
Molecular consequence: nonsense.
Genome position (GRCh38, 1-based): chr22:28,734,666, G>C on the plus strand (C>G on the coding strand, the complement: CHEK2 is on the minus strand). VCF-style: chr22-28734666-G-C. GRCh37 (hg19) VCF-style: chr22-29130654-G-C.
Other names: c.56C>G, p.Ser19Ter (NM_001005735.3, NM_001349956.3, NM_145862.3); c.-722C>G (NM_001257387.3); short protein forms S19*.
Identifiers: ClinVar variation 481737 (VCV000481737.15), dbSNP rs1555932877, ClinGen allele CA411091826.